The following is an entry in ClinVar:

ClinVar aggregate classification (germline): Benign/Likely benign. Review status: criteria provided, multiple submitters, no conflicts (2 of 4 stars). 4 submissions from 4 submitters: Benign (2); Likely benign (2). Last evaluated 2025-05-28.

Conditions:
Tuberous sclerosis 2 (TSC2). Identifiers: Orphanet 805, MedGen C1860707, MONDO:0013199, OMIM 613254.
Hereditary cancer-predisposing syndrome. Also called: Hereditary neoplastic syndrome; Neoplastic Syndromes, Hereditary; Tumor predisposition; Hereditary Cancer Syndrome. Identifiers: Orphanet 140162, MedGen C0027672, MeSH D009386, MONDO:0015356.

gnomAD v4.1: 1 of 1,612,958 alleles (0.000062%); highest among the groups gnomAD compares: Non-Finnish European, 0.000085%; no homozygotes.

Submissions (4):

Myriad Genetics, Inc.
Classification: Benign for Tuberous sclerosis 2. Last evaluated: 2025-05-28. Review status: criteria provided, single submitter. Criteria: Myriad Autosomal Dominant, Autosomal Recessive and X-Linked Classification Criteria (2023). Collection method: clinical testing. Allele origin: unknown.
Comment: This variant is considered benign. This variant is a silent/synonymous amino acid change and it is not expected to impact splicing.

Labcorp Genetics (formerly Invitae), Labcorp
Classification: Likely benign for Tuberous sclerosis 2. Last evaluated: 2024-07-30. Review status: criteria provided, single submitter. Criteria: Invitae Variant Classification Sherloc (09022015). Collection method: clinical testing. Allele origin: germline.

Genome-Nilou Lab
Classification: Benign for Tuberous sclerosis 2. Last evaluated: 2021-11-07. Review status: criteria provided, single submitter. Criteria: ACMG Guidelines, 2015. Collection method: clinical testing. Allele origin: germline. Affected: no.

Ambry Genetics
Classification: Likely benign for Hereditary cancer-predisposing syndrome. Last evaluated: 2018-10-29. Review status: criteria provided, single submitter. Criteria: Ambry Variant Classification Scheme 2023. Collection method: clinical testing. Allele origin: germline.

NM_000548.5(TSC2):c.3210G>C (p.Thr1070=)

Gene: TSC2 (TSC complex subunit 2; plus strand). Cytogenetic location: 16p13.3.
Variant type: single nucleotide variant.
Coding change: c.3210G>C on transcript NM_000548.5 (MANE Select); coding-DNA position 3210, G replaced by C.
Protein change: p.Thr1070=; no amino-acid change (threonine 1070 retained).
Molecular consequence: synonymous variant.
Genome position (GRCh38, 1-based): chr16:2,079,354, G>C. VCF-style: chr16-2079354-G-C. GRCh37 (hg19) VCF-style: chr16-2129355-G-C.
Other names: c.3078G>C, p.Thr1026= (NM_001077183.3, NM_001370404.1); c.3210G>C, p.Thr1070= (NM_001114382.3); c.2970G>C, p.Thr990= (NM_001318827.2); c.2934G>C, p.Thr978= (NM_001318829.2); c.2478G>C, p.Thr826= (NM_001318831.2); c.3111G>C, p.Thr1037= (NM_001318832.2); c.3081G>C, p.Thr1027= (NM_001363528.2, NM_001370405.1, NM_021055.3).
Identifiers: ClinVar variation 467995 (VCV000467995.19), dbSNP rs539927192, ClinGen allele CA276745608.